The following is an entry in ClinVar:

ClinVar aggregate classification (germline): Likely pathogenic (0 of 4 stars; one submission).

Conditions:
Autosomal recessive nonsyndromic hearing loss 9. Also called: NEUROSENSORY NONSYNDROMIC RECESSIVE DEAFNESS 9; OTOF-Related Hearing Loss; Deafness, autosomal recessive 9; AUDITORY NEUROPATHY, AUTOSOMAL RECESSIVE, 1, TEMPERATURE-SENSITIVE. Identifiers: Orphanet 90636, MedGen C1832828, MONDO:0010986, OMIM 601071.

Submission:

Diagnosis and Treatment Center of Genetic Hearing Loss, Eye & ENT Hospital of Fudan University
Classification: Likely pathogenic for Autosomal recessive nonsyndromic hearing loss 9. Last evaluated: 2026-02-04. Review status: no assertion criteria provided. Collection method: clinical testing. Allele origin: germline. Inheritance: Autosomal recessive inheritance. Affected: yes.
Comment: The c.3886del frameshift variant in OTOF leads to a premature stop codon and predicted NMD (PVS1). It is absent from population databases (PM2_Supporting).

NM_194248.3(OTOF):c.3886del (p.Val1296fs)

Gene: OTOF (otoferlin; minus strand). Cytogenetic location: 2p23.3.
Variant type: Deletion.
Coding change: c.3886del on transcript NM_194248.3 (MANE Select); coding-DNA position 3886, one base deleted (G; older notation c.3886delG).
Protein change: p.Val1296fs; shifts the reading frame from valine 1296.
Molecular consequence: frameshift variant.
Genome position (GRCh38, 1-based): chr2:26,471,129, C deleted on the plus strand (G on the coding strand, the reverse complement: OTOF is on the minus strand); the first of 2 consecutive C bases (chr2:26,471,129-26,471,130); deleting either gives the same sequence. VCF-style (leftmost placement, unchanged base first): chr2-26471128-AC-A. GRCh37 (hg19) VCF-style: chr2-26693996-AC-A.
Other names: c.3886del, p.Val1296fs (NM_001287489.2); c.1585del, p.Val529fs (NM_004802.4, NM_194323.3); c.1816del, p.Val606fs (NM_194322.3); short protein forms V1296fs, V529fs, V606fs.
Identifiers: ClinVar variation 4879899 (VCV004879899.1).